The following is an entry in ClinVar:

ClinVar aggregate classification (germline): Uncertain significance (1 of 4 stars; one submission).

Allele frequency attached by ClinVar (database versions not stated): gnomAD exomes below 0.00001 and 0.00005; gnomAD 0.00002; TOPMed 0.00002; ESP Exome Variant Server 0.00008.
gnomAD v4.1: 76 of 1,613,844 alleles (0.0047%); highest among the groups gnomAD compares: Non-Finnish European, 0.0064%; no homozygotes.

Submission:

Labcorp Genetics (formerly Invitae), Labcorp
Classification: Uncertain significance. Last evaluated: 2022-08-31. Review status: criteria provided, single submitter. Criteria: Invitae Variant Classification Sherloc (09022015). Collection method: clinical testing. Allele origin: germline.
Comment: This sequence change replaces arginine, which is basic and polar, with tryptophan, which is neutral and slightly polar, at codon 46 of the HELLS protein (p.Arg46Trp). This variant is present in population databases (rs200269841, gnomAD 0.0009%). This variant has not been reported in the literature in individuals affected with HELLS-related conditions. ClinVar contains an entry for this variant (Variation ID: 1371614). Algorithms developed to predict the effect of missense changes on protein structure and function are either unavailable or do not agree on the potential impact of this missense change (SIFT: "Deleterious"; PolyPhen-2: "Possibly Damaging"; Align-GVGD: "Class C0"). In summary, the available evidence is currently insufficient to determine the role of this variant in disease. Therefore, it has been classified as a Variant of Uncertain Significance.

NM_018063.5(HELLS):c.136C>T (p.Arg46Trp)

Gene: HELLS (helicase, lymphoid specific; plus strand). Cytogenetic location: 10q23.33.
Variant type: single nucleotide variant.
Coding change: c.136C>T on transcript NM_018063.5 (MANE Select); coding-DNA position 136, C replaced by T.
Protein change: p.Arg46Trp; replaces arginine 46 with tryptophan.
Molecular consequence: missense variant. On other transcripts: 5 prime UTR variant (4).
Genome position (GRCh38, 1-based): chr10:94,546,481, C>T. VCF-style: chr10-94546481-C-T. GRCh37 (hg19) VCF-style: chr10-96306238-C-T.
Other names: c.136C>T, p.Arg46Trp (NM_001289067.2, NM_001289069.2, NM_001289070.2 and 1 more transcripts); c.88C>T, p.Arg30Trp (NM_001289068.2); c.-281C>T (NM_001289071.2); c.-214C>T (NM_001289073.2); c.-867C>T (NM_001289074.2); c.-886C>T (NM_001289075.2); short protein forms R46W, R30W.
Identifiers: ClinVar variation 1371614 (VCV001371614.3), dbSNP rs200269841, ClinGen allele CA211665664.